The following is an entry in ClinVar:

NM_020822.3(KCNT1):c.2680G>T (p.Asp894Tyr)

Gene: KCNT1 (potassium sodium-activated channel subfamily T member 1; plus strand). Cytogenetic location: 9q34.3.
Variant type: single nucleotide variant.
Coding change: c.2680G>T on transcript NM_020822.3 (MANE Select); coding-DNA position 2680, G replaced by T.
Protein change: p.Asp894Tyr; replaces aspartic acid 894 with tyrosine.
Molecular consequence: missense variant.
Genome position (GRCh38, 1-based): chr9:135,778,773, G>T. VCF-style: chr9-135778773-G-T. GRCh37 (hg19) VCF-style: chr9-138670619-G-T.
Other names: c.2545G>T, p.Asp849Tyr (NM_001272003.2); short protein forms D849Y, D894Y.
Identifiers: ClinVar variation 2939382 (VCV002939382.3), dbSNP rs750369758, ClinGen allele CA375514651.

ClinVar aggregate classification (germline): Uncertain significance (1 of 4 stars; one submission).

Conditions:
Autosomal dominant nocturnal frontal lobe epilepsy 5. Also called: Epilepsy, nocturnal frontal lobe, 5; CILIARY DYSKINESIA, PRIMARY, 28, WITHOUT SITUS INVERSUS; CILIARY DYSKINESIA, PRIMARY, 28, WITH SITUS INVERSUS; KCNT1-Related Epilepsy. Identifiers: Orphanet 98784, MedGen C3554306, MONDO:0014002, OMIM 615005.
Developmental and epileptic encephalopathy, 14 (DEE14). Also called: Early infantile epileptic encephalopathy 14. Identifiers: Orphanet 293181, MedGen C3554195, MONDO:0013989, OMIM 614959.

Submission:

Labcorp Genetics (formerly Invitae), Labcorp
Classification: Uncertain significance for Autosomal dominant nocturnal frontal lobe epilepsy 5; Developmental and epileptic encephalopathy, 14. Last evaluated: 2023-04-09. Review status: criteria provided, single submitter. Criteria: Invitae Variant Classification Sherloc (09022015). Collection method: clinical testing. Allele origin: germline.
Comment: Advanced modeling of protein sequence and biophysical properties (such as structural, functional, and spatial information, amino acid conservation, physicochemical variation, residue mobility, and thermodynamic stability) has been performed at Invitae for this missense variant, however the output from this modeling did not meet the statistical confidence thresholds required to predict the impact of this variant on KCNT1 protein function. This variant has not been reported in the literature in individuals affected with KCNT1-related conditions. This variant is not present in population databases (gnomAD no frequency). This sequence change replaces aspartic acid, which is acidic and polar, with tyrosine, which is neutral and polar, at codon 894 of the KCNT1 protein (p.Asp894Tyr). In summary, the available evidence is currently insufficient to determine the role of this variant in disease. Therefore, it has been classified as a Variant of Uncertain Significance.